The following is an entry in ClinVar:

ClinVar aggregate classification (germline): Uncertain significance (1 of 4 stars; one submission).

Conditions:
Generalized epilepsy-paroxysmal dyskinesia syndrome (PNKD3). Also called: Paroxysmal nonkinesigenic dyskinesia, 3, with or without generalized epilepsy; Generalized epilepsy and paroxysmal dyskinesia. Identifiers: Orphanet 79137, MedGen C5574945, MONDO:0012276, OMIM 609446.

Submission:

Labcorp Genetics (formerly Invitae), Labcorp
Classification: Uncertain significance for Generalized epilepsy-paroxysmal dyskinesia syndrome. Last evaluated: 2022-11-01. Review status: criteria provided, single submitter. Criteria: Invitae Variant Classification Sherloc (09022015). Collection method: clinical testing. Allele origin: germline.
Comment: This variant results in a copy number gain of the genomic region encompassing exon(s) 1 of the KCNMA1 gene. This region includes the initiator codon of the gene. This copy number gain extends beyond the assayed region for this gene and therefore may encompass additional genes. As the precise location of this event is unknown, it may be in tandem or it may be located elsewhere in the genome. This variant has not been reported in the literature in individuals affected with KCNMA1-related conditions. In summary, the available evidence is currently insufficient to determine the role of this variant in disease. Therefore, it has been classified as a Variant of Uncertain Significance.

NC_000010.10:g.(?_79397003)_(79603484_?)dup

Genes: DLG5 (discs large MAGUK scaffold protein 5; minus strand), KCNMA1 (potassium calcium-activated channel subfamily M alpha 1; minus strand). Cytogenetic location: 10q22.3.
Variant type: Duplication.
Identifiers: ClinVar variation 2424382 (VCV002424382.2).